The following is an entry in ClinVar:

NM_002421.4(MMP1):c.831G>A (p.Ala277=)

Gene: MMP1 (matrix metallopeptidase 1; minus strand). Cytogenetic location: 11q22.2.
Variant type: single nucleotide variant.
Coding change: c.831G>A on transcript NM_002421.4 (MANE Select); coding-DNA position 831, G replaced by A.
Protein change: p.Ala277=; no amino-acid change (alanine 277 retained).
Molecular consequence: synonymous variant.
Genome position (GRCh38, 1-based): chr11:102,795,242, C>T on the plus strand (G>A on the coding strand, the complement: MMP1 is on the minus strand). VCF-style: chr11-102795242-C-T. GRCh37 (hg19) VCF-style: chr11-102665973-C-T.
Other names: c.633G>A, p.Ala211= (NM_001145938.2).
Identifiers: ClinVar variation 403091 (VCV000403091.6), dbSNP rs1051121, ClinGen allele CA6250507.
Genomic context (GRCh38, chr11:102,795,242, plus strand): 5'-AAAGAACATCACTTCTCCCCGAATCGTAGTTATAGCATCAAAGGTTAGCTTACTGTCACA[C>T]GCTTTTGGGGTTTGTGGGCCGATGGGCTGGACAGGATTTTGGGAACGTCCTAAGGAAAAT-3'
Protein context (NP_002412.1, residues 267-287): VQPIGPQTPK[Ala277=]CDSKLTFDAI

ClinVar aggregate classification (germline): Benign. Review status: criteria provided, multiple submitters, no conflicts (2 of 4 stars). 2 submissions from 2 submitters: Benign (2). Last evaluated 2016-03-28.

Allele frequency attached by ClinVar (database versions not stated): 1000 Genomes Project 0.01198; 1000 Genomes Project 30x 0.01218; gnomAD 0.02062 and 0.02106; ExAC 0.02082; gnomAD exomes 0.02089; TOPMed 0.02099; ESP Exome Variant Server 0.02530.

Submissions (17):

Laboratory for Molecular Medicine, Mass General Brigham Personalized Medicine
Classification: Benign. Last evaluated: 2016-03-28. Review status: criteria provided, single submitter. Criteria: LMM Criteria. Collection method: clinical testing. Allele origin: germline.
Comment: Variant identified in a genome or exome case(s) and assessed due to predicted null impact of the variant or pathogenic assertions in the literature or databases. Disclaimer: This variant has not undergone full assessment. The following are preliminary notes: Silent variant not in splice consensus

Breakthrough Genomics
Classification: Benign. Review status: criteria provided, single submitter. Criteria: ACMG Guidelines, 2015. Collection method: not provided. Allele origin: germline. Inheritance: Autosomal recessive inheritance. Affected: yes.

Dr. Peter K. Rogan Lab, Western University
No classification provided (evidence only). Condition: Melanoma. Review status: no classification provided. Collection method: in vitro. Allele origin: not applicable. Functional consequence: retained intron. Not counted in ClinVar's aggregate classification.

Dr. Peter K. Rogan Lab, Western University
No classification provided (evidence only). Condition: Melanoma. Review status: no classification provided. Collection method: in vitro. Allele origin: not applicable. Functional consequence: retained intron. Not counted in ClinVar's aggregate classification.

Dr. Peter K. Rogan Lab, Western University
No classification provided (evidence only). Condition: Uterine corpus endometrial carcinoma. Review status: no classification provided. Collection method: in vitro. Allele origin: not applicable. Functional consequence: retained intron. Not counted in ClinVar's aggregate classification.

Dr. Peter K. Rogan Lab, Western University
No classification provided (evidence only). Condition: Cervical cancer. Review status: no classification provided. Collection method: in vitro. Allele origin: not applicable. Functional consequence: retained intron. Not counted in ClinVar's aggregate classification.

Dr. Peter K. Rogan Lab, Western University
No classification provided (evidence only). Condition: Cholangiocarcinoma. Review status: no classification provided. Collection method: in vitro. Allele origin: not applicable. Functional consequence: retained intron. Not counted in ClinVar's aggregate classification.

Dr. Peter K. Rogan Lab, Western University
No classification provided (evidence only). Condition: Gastric cancer. Review status: no classification provided. Collection method: in vitro. Allele origin: not applicable. Functional consequence: retained intron. Not counted in ClinVar's aggregate classification.

Dr. Peter K. Rogan Lab, Western University
No classification provided (evidence only). Condition: Gastric cancer. Review status: no classification provided. Collection method: in vitro. Allele origin: not applicable. Functional consequence: retained intron. Not counted in ClinVar's aggregate classification.

Dr. Peter K. Rogan Lab, Western University
No classification provided (evidence only). Condition: Gastric cancer. Review status: no classification provided. Collection method: in vitro. Allele origin: not applicable. Functional consequence: retained intron. Not counted in ClinVar's aggregate classification.

Dr. Peter K. Rogan Lab, Western University
No classification provided (evidence only). Condition: Gastric cancer. Review status: no classification provided. Collection method: in vitro. Allele origin: not applicable. Functional consequence: retained intron. Not counted in ClinVar's aggregate classification.

Dr. Peter K. Rogan Lab, Western University
No classification provided (evidence only). Condition: Gastric cancer. Review status: no classification provided. Collection method: in vitro. Allele origin: not applicable. Functional consequence: retained intron. Not counted in ClinVar's aggregate classification.

Dr. Peter K. Rogan Lab, Western University
No classification provided (evidence only). Condition: Gastric cancer. Review status: no classification provided. Collection method: in vitro. Allele origin: not applicable. Functional consequence: retained intron. Not counted in ClinVar's aggregate classification.

Dr. Peter K. Rogan Lab, Western University
No classification provided (evidence only). Condition: Gastric cancer. Review status: no classification provided. Collection method: in vitro. Allele origin: not applicable. Functional consequence: retained intron. Not counted in ClinVar's aggregate classification.

Dr. Peter K. Rogan Lab, Western University
No classification provided (evidence only). Condition: Gastric cancer. Review status: no classification provided. Collection method: in vitro. Allele origin: not applicable. Functional consequence: retained intron. Not counted in ClinVar's aggregate classification.

Dr. Peter K. Rogan Lab, Western University
No classification provided (evidence only). Condition: Malignant tumor of esophagus. Review status: no classification provided. Collection method: in vitro. Allele origin: not applicable. Functional consequence: retained intron. Not counted in ClinVar's aggregate classification.

Dr. Peter K. Rogan Lab, Western University
No classification provided (evidence only). Condition: Malignant tumor of esophagus. Review status: no classification provided. Collection method: in vitro. Allele origin: not applicable. Functional consequence: retained intron. Not counted in ClinVar's aggregate classification.